The following is an entry in ClinVar:

NM_182493.3(MYLK3):c.2225A>C (p.Glu742Ala)

Gene: MYLK3 (myosin light chain kinase 3; minus strand). Cytogenetic location: 16q11.2.
Variant type: single nucleotide variant.
Coding change: c.2225A>C on transcript NM_182493.3 (MANE Select); coding-DNA position 2225, A replaced by C.
Protein change: p.Glu742Ala; replaces glutamic acid 742 with alanine.
Molecular consequence: missense variant.
Genome position (GRCh38, 1-based): chr16:46,710,679, T>G on the plus strand (A>C on the coding strand, the complement: MYLK3 is on the minus strand). VCF-style: chr16-46710679-T-G. GRCh37 (hg19) VCF-style: chr16-46744591-T-G.
Other names: c.1202A>C, p.Glu401Ala (NM_001308301.1); short protein forms E742A, E401A.
Identifiers: ClinVar variation 1474207 (VCV001474207.6), dbSNP rs2143012504, ClinGen allele CA395786507.
Genomic context (GRCh38, chr16:46,710,679, plus strand): 5'-ACAAGCAATGAAAGGTACCTCTTCTCTTTGACCAGCAACCGGGAAACAAAGTCCTTGGCC[T>G]CCTCCGAGAGCCCTTCAAAGGTGTCAGCATCAAAATCCCAGCTACAGTTTACAATGAAAT-3'
Protein context (NP_872299.2, residues 732-752): DADTFEGLSE[Glu742Ala]AKDFVSRLLV

ClinVar aggregate classification (germline): Uncertain significance (1 of 4 stars; one submission).

Submission:

Labcorp Genetics (formerly Invitae), Labcorp
Classification: Uncertain significance. Last evaluated: 2021-11-17. Review status: criteria provided, single submitter. Criteria: Invitae Variant Classification Sherloc (09022015). Collection method: clinical testing. Allele origin: germline.
Comment: In summary, the available evidence is currently insufficient to determine the role of this variant in disease. Therefore, it has been classified as a Variant of Uncertain Significance. Algorithms developed to predict the effect of missense changes on protein structure and function are either unavailable or do not agree on the potential impact of this missense change (SIFT: "Tolerated"; PolyPhen-2: "Probably Damaging"; Align-GVGD: "Class C0"). This variant has not been reported in the literature in individuals affected with MYLK3-related conditions. This variant is not present in population databases (gnomAD no frequency). This sequence change replaces glutamic acid, which is acidic and polar, with alanine, which is neutral and non-polar, at codon 742 of the MYLK3 protein (p.Glu742Ala).